The following is an entry in ClinVar:

NM_007194.4(CHEK2):c.1486C>G (p.Gln496Glu)

Gene: CHEK2 (checkpoint kinase 2; minus strand). Cytogenetic location: 22q12.1.
Variant type: single nucleotide variant.
Coding change: c.1486C>G on transcript NM_007194.4 (MANE Select); coding-DNA position 1486, C replaced by G.
Protein change: p.Gln496Glu; replaces glutamine 496 with glutamic acid.
Molecular consequence: missense variant.
Genome position (GRCh38, 1-based): chr22:28,689,191, G>C on the plus strand (C>G on the coding strand, the complement: CHEK2 is on the minus strand). VCF-style: chr22-28689191-G-C. GRCh37 (hg19) VCF-style: chr22-29085179-G-C.
Other names: c.1615C>G, p.Gln539Glu (NM_001005735.3); c.823C>G, p.Gln275Glu (NM_001257387.3); c.1285C>G, p.Gln429Glu (NM_001349956.3); c.1399C>G, p.Gln467Glu (NM_145862.3); short protein forms Q275E, Q429E, Q496E, Q539E, Q467E.
Identifiers: ClinVar variation 819345 (VCV000819345.9), dbSNP rs756250205, ClinGen allele CA411092538.

ClinVar aggregate classification (germline): Uncertain significance. Review status: criteria provided, multiple submitters, no conflicts (2 of 4 stars). 2 submissions from 2 submitters: Uncertain significance (2). Last evaluated 2022-04-19.

Conditions:
Familial cancer of breast. Also called: hereditary breast carcinoma; Hereditary breast cancer; BREAST CANCER, FAMILIAL. Identifiers: Orphanet 227535, MedGen C0346153, MONDO:0016419, OMIM 114480. Disease mechanism: loss of function.
Hereditary cancer-predisposing syndrome. Also called: Tumor predisposition; Hereditary neoplastic syndrome; Neoplastic Syndromes, Hereditary; Hereditary Cancer Syndrome. Identifiers: Orphanet 140162, MedGen C0027672, MeSH D009386, MONDO:0015356.

Submissions (2):

Labcorp Genetics (formerly Invitae), Labcorp
Classification: Uncertain significance for Familial cancer of breast. Last evaluated: 2022-04-19. Review status: criteria provided, single submitter. Criteria: Invitae Variant Classification Sherloc (09022015). Collection method: clinical testing. Allele origin: germline.
Comment: This sequence change replaces glutamine, which is neutral and polar, with glutamic acid, which is acidic and polar, at codon 496 of the CHEK2 protein (p.Gln496Glu). This variant is not present in population databases (gnomAD no frequency). This variant has not been reported in the literature in individuals affected with CHEK2-related conditions. ClinVar contains an entry for this variant (Variation ID: 819345). Algorithms developed to predict the effect of missense changes on protein structure and function output the following: SIFT: "Tolerated"; PolyPhen-2: "Benign"; Align-GVGD: "Class C0". The glutamic acid amino acid residue is found in multiple mammalian species, which suggests that this missense change does not adversely affect protein function. In summary, the available evidence is currently insufficient to determine the role of this variant in disease. Therefore, it has been classified as a Variant of Uncertain Significance.

Ambry Genetics
Classification: Uncertain significance for Hereditary cancer-predisposing syndrome. Last evaluated: 2018-07-20. Review status: criteria provided, single submitter. Criteria: Ambry Variant Classification Scheme 2023. Collection method: clinical testing. Allele origin: germline.
Comment: The p.Q496E variant (also known as c.1486C>G), located in coding exon 13 of the CHEK2 gene, results from a C to G substitution at nucleotide position 1486. The glutamine at codon 496 is replaced by glutamic acid, an amino acid with highly similar properties. This amino acid position is not well conserved in available vertebrate species. In addition, this alteration is predicted to be tolerated by in silico analysis. Since supporting evidence is limited at this time, the clinical significance of this alteration remains unclear.